The following is an entry in ClinVar:

NM_002241.5(KCNJ10):c.615A>G (p.Lys205=)

Gene: KCNJ10 (potassium inwardly rectifying channel subfamily J member 10; minus strand). Cytogenetic location: 1q23.2.
Variant type: single nucleotide variant.
Coding change: c.615A>G on transcript NM_002241.5 (MANE Select); coding-DNA position 615, A replaced by G.
Protein change: p.Lys205=; no amino-acid change (lysine 205 retained).
Molecular consequence: synonymous variant.
Genome position (GRCh38, 1-based): chr1:160,041,918, T>C on the plus strand (A>G on the coding strand, the complement: KCNJ10 is on the minus strand). VCF-style: chr1-160041918-T-C. GRCh37 (hg19) VCF-style: chr1-160011708-T-C.
Other names: p.Lys205=.
Identifiers: ClinVar variation 287539 (VCV000287539.31), dbSNP rs142228240, ClinGen allele CA1193227.
Genomic context (GRCh38, chr1:160,041,918, plus strand): 5'-TTCCTTGGTTTGGTGGGTCTGAAGCAGTTTTCCTGTCACCTGGCAGCCAATGAGGAGGCT[T>C]TTGCGCATATTGGCAACTCGGATCATGAGGCAGGGCTTGCCATTGTGGGAGGCCACAACT-3'
Protein context (NP_002232.2, residues 195-215): CLMIRVANMR[Lys205=]SLLIGCQVTG

ClinVar aggregate classification (germline): Conflicting classifications of pathogenicity. Review status: criteria provided, conflicting classifications (1 of 4 stars). 9 submissions from 8 submitters: Uncertain significance (3); Benign (2); Likely benign (3). 1 of the submissions does not count toward it. Last evaluated 2025-12-27.

Conditions:
KCNJ10-related disorder. Also called: KCNJ10-related condition; KCNJ10-related disorders. Identifiers: MedGen CN239321.
EAST syndrome (SESAMES). Also called: SEIZURES, SENSORINEURAL DEAFNESS, ATAXIA, IMPAIRED INTELLECTUAL DEVELOPMENT, AND ELECTROLYTE IMBALANCE. Identifiers: Orphanet 199343, MedGen C2748572, MONDO:0013005, OMIM 612780.
Autosomal recessive nonsyndromic hearing loss 4 (DFNB4). Also called: FOXI1-Related Pendred Syndrome; KCNJ10-Related Pendred Syndrome; DEAFNESS, AUTOSOMAL RECESSIVE 4, WITH ENLARGED VESTIBULAR AQUEDUCT, DIGENIC; Nonsyndromic enlarged vestibular aqueduct (NSEVA); Deafness, autosomal recessive 4, with enlarged vestibular aqueduct; Deafness, autosomal recessive 4. Identifiers: Orphanet 90636, MedGen C3538946, MONDO:0010933, OMIM 600791.

Allele frequency attached by ClinVar (database versions not stated): gnomAD 0.00064 and 0.00066; TOPMed 0.00076; ESP Exome Variant Server 0.00077; 1000 Genomes Project 0.00080; gnomAD exomes 0.00006 and 0.00020; ExAC 0.00027; 1000 Genomes Project 30x 0.00062.

Submissions (9):

Labcorp Genetics (formerly Invitae), Labcorp
Classification: Benign for EAST syndrome. Last evaluated: 2025-12-27. Review status: criteria provided, single submitter. Criteria: Invitae Variant Classification Sherloc (09022015). Collection method: clinical testing. Allele origin: germline.

CeGaT Center for Human Genetics Tuebingen
Classification: Likely benign. Last evaluated: 2025-12-01. Review status: criteria provided, single submitter. Criteria: CeGaT Center For Human Genetics Tuebingen Variant Classification Criteria Version 2. Collection method: clinical testing. Allele origin: germline. Affected: yes. Observed: 1 variant allele.
Comment: KCNJ10: BP4, BP7

Mayo Clinic Laboratories, Mayo Clinic
Classification: Likely benign. Last evaluated: 2025-10-09. Review status: criteria provided, single submitter. Criteria: ACMG Guidelines, 2015. Collection method: clinical testing. Allele origin: germline. Observed: 3 variant alleles.
Comment: BP4, BP7

Illumina Laboratory Services, Illumina
Classification: Uncertain significance for Autosomal recessive nonsyndromic hearing loss 4. Last evaluated: 2018-01-13. Review status: criteria provided, single submitter. Criteria: ICSL Variant Classification Criteria 13 December 2019. Collection method: clinical testing. Allele origin: germline.

Illumina Laboratory Services, Illumina
Classification: Uncertain significance for EAST syndrome. Last evaluated: 2018-01-13. Review status: criteria provided, single submitter. Criteria: ICSL Variant Classification Criteria 13 December 2019. Collection method: clinical testing. Allele origin: germline.

Genetic Services Laboratory, University of Chicago
Classification: Likely benign. Last evaluated: 2016-12-18. Review status: criteria provided, single submitter. Criteria: ACMG Guidelines, 2015. Collection method: clinical testing. Allele origin: germline. Affected: no.

Eurofins Ntd Llc (ga)
Classification: Uncertain significance. Last evaluated: 2016-06-02. Review status: criteria provided, single submitter. Criteria: EGL Classification Definitions 2015. Collection method: clinical testing. Allele origin: germline. Observed: 1 variant allele, 1 heterozygote.

GeneDx
Classification: Benign. Last evaluated: 2015-04-28. Review status: criteria provided, single submitter. Criteria: GeneDx Variant Classification (06012015). Collection method: clinical testing. Allele origin: germline. Affected: yes.
Comment: This variant is considered likely benign or benign based on one or more of the following criteria: it is a conservative change, it occurs at a poorly conserved position in the protein, it is predicted to be benign by multiple in silico algorithms, and/or has population frequency not consistent with disease.

PreventionGenetics, part of Exact Sciences
Classification: Likely benign for KCNJ10-related condition. Last evaluated: 2024-06-21. Review status: no assertion criteria provided. Collection method: clinical testing. Allele origin: germline. Not counted in ClinVar's aggregate classification.
Comment: This variant is classified as likely benign based on ACMG/AMP sequence variant interpretation guidelines (Richards et al. 2015 PMID: 25741868, with internal and published modifications).